The following is an entry in ClinVar:

ClinVar aggregate classification (germline): Uncertain significance (1 of 4 stars; one submission).

Conditions:
TRAF7-related disorder. Also called: TRAF7-related condition.

gnomAD v4.1: 1 of 1,612,022 alleles (0.000062%); highest among the groups gnomAD compares: Non-Finnish European, 0.000085%; no homozygotes.

Submission:

PreventionGenetics, part of Exact Sciences
Classification: Uncertain significance for TRAF7-related condition. Last evaluated: 2025-03-05. Review status: criteria provided, single submitter. Criteria: ACMG Guidelines, 2015. Collection method: clinical testing. Allele origin: germline.
Comment: The TRAF7 c.167A>G variant is predicted to result in the amino acid substitution p.His56Arg. To our knowledge, this variant has not been reported in the literature or in a large population database (gnomAD), indicating this variant is rare. At this time, the clinical significance of this variant is uncertain due to the absence of conclusive functional and genetic evidence.

NM_032271.3(TRAF7):c.167A>G (p.His56Arg)

Gene: TRAF7 (TNF receptor associated factor 7; plus strand). Cytogenetic location: 16p13.3.
Variant type: single nucleotide variant.
Coding change: c.167A>G on transcript NM_032271.3 (MANE Select); coding-DNA position 167, A replaced by G.
Protein change: p.His56Arg; replaces histidine 56 with arginine.
Molecular consequence: missense variant.
Genome position (GRCh38, 1-based): chr16:2,168,104, A>G. VCF-style: chr16-2168104-A-G. GRCh37 (hg19) VCF-style: chr16-2218105-A-G.
Other names: short protein forms H56R.
Identifiers: ClinVar variation 4986315 (VCV004986315.1).